The following is an entry in ClinVar:

ClinVar aggregate classification (germline): Uncertain significance (1 of 4 stars; one submission).

Submission:

Dasa
Classification: Uncertain significance. Last evaluated: 2025-09-21. Review status: criteria provided, single submitter. Criteria: DASA Assertion Criteria. Collection method: clinical testing. Allele origin: germline.
Comment: NM_016562.4(TLR7):c.1761T>A (p.His587Gln) is a missense variant that results in the substitution of histidine with glutamine. This variant is absent from population databases. Computational prediction algorithms are consistent with a deleterious effect. The currently available literature and clinical evidence are not sufficient to establish a definitive association between this variant and the reported condition. Therefore, this variant is classified as a variant of uncertain significance.

NM_016562.4(TLR7):c.1761T>A (p.His587Gln)

Gene: TLR7 (toll like receptor 7; plus strand). Cytogenetic location: Xp22.2.
Variant type: single nucleotide variant.
Coding change: c.1761T>A on transcript NM_016562.4 (MANE Select); coding-DNA position 1761, T replaced by A.
Protein change: p.His587Gln; replaces histidine 587 with glutamine.
Molecular consequence: missense variant.
Genome position (GRCh38, 1-based): chrX:12,887,269, T>A. VCF-style: chrX-12887269-T-A. GRCh37 (hg19) VCF-style: chrX-12905388-T-A.
Other names: short protein forms H587Q.
Identifiers: ClinVar variation 4882418 (VCV004882418.2).